The following is an entry in ClinVar:

NM_006172.4(NPPA):c.367C>A (p.Arg123=)

Genes: NPPA (natriuretic peptide A; minus strand), NPPA-AS1 (NPPA antisense RNA 1; plus strand), LOC114827827 (VISTA enhancer hs2123; plus strand). Cytogenetic location: 1p36.22.
Variant type: single nucleotide variant.
Coding change: c.367C>A on transcript NM_006172.4 (MANE Select); coding-DNA position 367, C replaced by A.
Protein change: p.Arg123=; no amino-acid change (arginine 123 retained).
Molecular consequence: synonymous variant.
Genome position (GRCh38, 1-based): chr1:11,847,196, G>T on the plus strand (C>A on the coding strand, the complement: NPPA is on the minus strand). VCF-style: chr1-11847196-G-T. GRCh37 (hg19) VCF-style: chr1-11907253-G-T.
Other names: c.367C>A (LRG_751t1).
Identifiers: ClinVar variation 652171 (VCV000652171.8), dbSNP rs377057675, ClinGen allele CA597018.

ClinVar aggregate classification (germline): Uncertain significance (1 of 4 stars; one submission).

Conditions:
Atrial fibrillation, familial, 6 (ATFB6). Identifiers: MedGen C2677294, MONDO:0012816, OMIM 612201.

Allele frequency attached by ClinVar (database versions not stated): TOPMed 0.00005; ESP Exome Variant Server 0.00008.

Submission:

Labcorp Genetics (formerly Invitae), Labcorp
Classification: Uncertain significance for Atrial fibrillation, familial, 6. Last evaluated: 2022-07-19. Review status: criteria provided, single submitter. Criteria: Invitae Variant Classification Sherloc (09022015). Collection method: clinical testing. Allele origin: germline.
Comment: This variant is present in population databases (rs377057675, gnomAD 0.003%). This sequence change affects codon 123 of the NPPA mRNA. It is a 'silent' change, meaning that it does not change the encoded amino acid sequence of the NPPA protein. This variant has not been reported in the literature in individuals affected with NPPA-related conditions. In summary, the available evidence is currently insufficient to determine the role of this variant in disease. Therefore, it has been classified as a Variant of Uncertain Significance. Algorithms developed to predict the effect of sequence changes on RNA splicing suggest that this variant may create or strengthen a splice site. ClinVar contains an entry for this variant (Variation ID: 652171).